The following is an entry in ClinVar:

NM_207346.3(TSEN54):c.18G>T (p.Glu6Asp)

Genes: TSEN54 (tRNA splicing endonuclease subunit 54; plus strand), LOC112533671 (Sharpr-MPRA regulatory region 12010; plus strand). Cytogenetic location: 17q25.1.
Variant type: single nucleotide variant.
Coding change: c.18G>T on transcript NM_207346.3 (MANE Select); coding-DNA position 18, G replaced by T.
Protein change: p.Glu6Asp; replaces glutamic acid 6 with aspartic acid.
Molecular consequence: missense variant.
Genome position (GRCh38, 1-based): chr17:75,516,578, G>T. VCF-style: chr17-75516578-G-T. GRCh37 (hg19) VCF-style: chr17-73512659-G-T.
Other names: c.18G>T (NM_207346.2); short protein forms E6D.
Identifiers: ClinVar variation 1932218 (VCV001932218.7), dbSNP rs1226320805, ClinGen allele CA401026820.

ClinVar aggregate classification (germline): Conflicting classifications of pathogenicity. Review status: criteria provided, conflicting classifications (1 of 4 stars). 3 submissions from 3 submitters: Uncertain significance (2); Likely benign (1). Last evaluated 2025-11-23.

Conditions:
Inborn genetic diseases. Identifiers: MedGen C0950123, MeSH D030342.

Allele frequency attached by ClinVar (database versions not stated): TOPMed 0.00014; 1000 Genomes Project 30x 0.00062.
gnomAD v4.1: 74 of 1,154,956 alleles (0.0064%); highest among the groups gnomAD compares: East Asian, 0.24%; no homozygotes.

Submissions (3):

Labcorp Genetics (formerly Invitae), Labcorp
Classification: Likely benign. Last evaluated: 2025-11-23. Review status: criteria provided, single submitter. Criteria: Invitae Variant Classification Sherloc (09022015). Collection method: clinical testing. Allele origin: germline.

Ambry Genetics
Classification: Uncertain significance for Inborn genetic diseases. Last evaluated: 2025-05-23. Review status: criteria provided, single submitter. Criteria: Ambry Variant Classification Scheme 2023. Collection method: clinical testing. Allele origin: germline.

GeneDx
Classification: Uncertain significance. Last evaluated: 2025-04-25. Review status: criteria provided, single submitter. Criteria: GeneDx Variant Classification Process June 2021. Collection method: clinical testing. Allele origin: germline. Affected: yes.
Comment: Heterozygous variant in an infant with severe hypoplasia of the cerebellum and pons, abnormal movements, seizures, and microcephaly; however, a second TSEN54 variant was not identified (Meng-Yang Wang et al. (2014) Neurology Asia. 19(3): 319 322); In silico analysis indicates that this missense variant does not alter protein structure/function; This variant is associated with the following publications: (PMID: Wangetal2014[article])